The following is an entry in ClinVar:

NM_001032382.2(PQBP1):c.466G>A (p.Asp156Asn)

Gene: PQBP1 (polyglutamine binding protein 1; plus strand). Cytogenetic location: Xp11.23.
Variant type: single nucleotide variant.
Coding change: c.466G>A on transcript NM_001032382.2 (MANE Select); coding-DNA position 466, G replaced by A.
Protein change: p.Asp156Asn; replaces aspartic acid 156 with asparagine.
Molecular consequence: missense variant. On other transcripts: intron variant (2).
Genome position (GRCh38, 1-based): chrX:48,902,406, G>A. VCF-style: chrX-48902406-G-A. GRCh37 (hg19) VCF-style: chrX-48759683-G-A.
Other names: c.466G>A, p.Asp156Asn (NM_001032381.2, NM_001032383.2, NM_001032384.1 and 2 more transcripts); c.442G>A, p.Asp148Asn (NM_001167990.2); c.293-326G>A (NM_144495.3); c.202-36G>A (NM_001167992.1); short protein forms D148N, D156N.
Identifiers: ClinVar variation 3353527 (VCV003353527.3).

ClinVar aggregate classification (germline): Uncertain significance. Review status: criteria provided, multiple submitters, no conflicts (2 of 4 stars). 3 submissions from 3 submitters: Uncertain significance (2). 1 of the submissions does not count toward it. Last evaluated 2025-07-15.

Conditions:
PQBP1-related disorder. Also called: PQBP1-related condition.
Inborn genetic diseases. Identifiers: MedGen C0950123, MeSH D030342.

Submissions (3):

Labcorp Genetics (formerly Invitae), Labcorp
Classification: Uncertain significance. Last evaluated: 2025-07-15. Review status: criteria provided, single submitter. Criteria: Invitae Variant Classification Sherloc (09022015). Collection method: clinical testing. Allele origin: germline.
Comment: This sequence change replaces aspartic acid, which is acidic and polar, with asparagine, which is neutral and polar, at codon 156 of the PQBP1 protein (p.Asp156Asn). This variant is not present in population databases (gnomAD no frequency). This variant has not been reported in the literature in individuals affected with PQBP1-related conditions. ClinVar contains an entry for this variant (Variation ID: 3353527). Invitae Evidence Modeling of protein sequence and biophysical properties (such as structural, functional, and spatial information, amino acid conservation, physicochemical variation, residue mobility, and thermodynamic stability) indicates that this missense variant is not expected to disrupt PQBP1 protein function with a negative predictive value of 80%. In summary, the available evidence is currently insufficient to determine the role of this variant in disease. Therefore, it has been classified as a Variant of Uncertain Significance.

Ambry Genetics
Classification: Uncertain significance for Inborn genetic diseases. Last evaluated: 2025-04-12. Review status: criteria provided, single submitter. Criteria: Ambry Variant Classification Scheme 2023. Collection method: clinical testing. Allele origin: germline.

PreventionGenetics, part of Exact Sciences
Classification: Uncertain significance for PQBP1-related condition. Last evaluated: 2024-06-25. Review status: no assertion criteria provided. Collection method: clinical testing. Allele origin: germline. Not counted in ClinVar's aggregate classification.
Comment: The PQBP1 c.466G>A variant is predicted to result in the amino acid substitution p.Asp156Asn. To our knowledge, this variant has not been reported in the literature or in large population database, indicating this variant is rare. At this time, the clinical significance of this variant is uncertain due to the absence of conclusive functional and genetic evidence.